The following is an entry in ClinVar:

ClinVar aggregate classification (germline): Conflicting classifications of pathogenicity. Review status: criteria provided, conflicting classifications (1 of 4 stars). 4 submissions from 4 submitters: Uncertain significance (3); Likely benign (1). Last evaluated 2025-12-29.

Conditions:
CTNNA3-related disorder. Also called: CTNNA3-related condition.
Arrhythmogenic right ventricular dysplasia 13. Also called: ARRHYTHMOGENIC RIGHT VENTRICULAR CARDIOMYOPATHY 13; Arrhythmogenic right ventricular dysplasia, familial, 13. Identifiers: MedGen C3810138, MONDO:0000908, OMIM 615616.

Allele frequency attached by ClinVar (database versions not stated): gnomAD 0.00003; TOPMed 0.00003.
gnomAD v4.1: 56 of 1,613,510 alleles (0.0035%); highest among the groups gnomAD compares: Admixed American, 0.022%; no homozygotes.

Submissions (4):

Labcorp Genetics (formerly Invitae), Labcorp
Classification: Uncertain significance for Arrhythmogenic right ventricular dysplasia 13. Last evaluated: 2025-12-29. Review status: criteria provided, single submitter. Criteria: Invitae Variant Classification Sherloc (09022015). Collection method: clinical testing. Allele origin: germline.
Comment: This sequence change replaces asparagine, which is neutral and polar, with lysine, which is basic and polar, at codon 333 of the CTNNA3 protein (p.Asn333Lys). This variant is present in population databases (rs146754105, gnomAD 0.04%), and has an allele count higher than expected for a pathogenic variant. This variant has not been reported in the literature in individuals affected with CTNNA3-related conditions. ClinVar contains an entry for this variant (Variation ID: 409010). Invitae Evidence Modeling of protein sequence and biophysical properties (such as structural, functional, and spatial information, amino acid conservation, physicochemical variation, residue mobility, and thermodynamic stability) has been performed for this missense variant. However, the output from this modeling did not meet the statistical confidence thresholds required to predict the impact of this variant on CTNNA3 protein function. In summary, the available evidence is currently insufficient to determine the role of this variant in disease. Therefore, it has been classified as a Variant of Uncertain Significance.

Ambry Genetics
Classification: Uncertain significance. Last evaluated: 2024-11-25. Review status: criteria provided, single submitter. Criteria: Ambry Variant Classification Scheme 2023. Collection method: clinical testing. Allele origin: germline.

Blueprint Genetics
Classification: Likely benign. Last evaluated: 2024-03-25. Review status: criteria provided, single submitter. Criteria: ACMG Guidelines, 2015. Collection method: clinical testing. Allele origin: germline.

PreventionGenetics, part of Exact Sciences
Classification: Uncertain significance for CTNNA3-related condition. Last evaluated: 2022-12-17. Review status: criteria provided, single submitter. Criteria: ACMG Guidelines, 2015. Collection method: clinical testing. Allele origin: germline.
Comment: The CTNNA3 c.999C>A variant is predicted to result in the amino acid substitution p.Asn333Lys. To our knowledge, this variant has not been reported in the literature. This variant is reported in 0.037% of alleles in individuals of Latino descent in gnomAD. At this time, the clinical significance of this variant is uncertain due to the absence of conclusive functional and genetic evidence.

NM_013266.4(CTNNA3):c.999C>A (p.Asn333Lys)

Gene: CTNNA3 (catenin alpha 3; minus strand). Cytogenetic location: 10q21.3.
Variant type: single nucleotide variant.
Coding change: c.999C>A on transcript NM_013266.4 (MANE Select); coding-DNA position 999, C replaced by A.
Protein change: p.Asn333Lys; replaces asparagine 333 with lysine.
Molecular consequence: missense variant.
Genome position (GRCh38, 1-based): chr10:67,180,365, G>T on the plus strand (C>A on the coding strand, the complement: CTNNA3 is on the minus strand). VCF-style: chr10-67180365-G-T. GRCh37 (hg19) VCF-style: chr10-68940123-G-T.
Other names: c.999C>A (NM_013266.2); c.999C>A, p.Asn333Lys (NM_001127384.3); c.1035C>A, p.Asn345Lys (NM_001291133.2); short protein forms N333K, N345K.
Identifiers: ClinVar variation 409010 (VCV000409010.24), dbSNP rs146754105, ClinGen allele CA5520429.